The following is an entry in ClinVar:

ClinVar aggregate classification (germline): Uncertain significance (1 of 4 stars; one submission).

Conditions:
Developmental delay with autism spectrum disorder and gait instability (MRT38). Also called: Intellectual developmental disorder, autosomal recessive 38. Identifiers: Orphanet 329195, MedGen C3809753, MONDO:0014224, OMIM 615516.

Allele frequency attached by ClinVar (database versions not stated): gnomAD 0.00001; TOPMed 0.00004; gnomAD exomes 0.00005 and 0.00011; ExAC 0.00015.
gnomAD v4.1: 31 of 1,599,508 alleles (0.0019%); highest among the groups gnomAD compares: Admixed American, 0.052%; no homozygotes.

Submission:

Baylor Genetics
Classification: Uncertain significance for Developmental delay with autism spectrum disorder and gait instability. Last evaluated: 2019-03-26. Review status: criteria provided, single submitter. Criteria: ACMG Guidelines, 2015. Collection method: clinical testing. Allele origin: paternal. Affected: yes.
Comment: This variant was determined to be of uncertain significance according to ACMG Guidelines, 2015 [PMID:25741868].

NM_004667.6(HERC2):c.2602A>G (p.Thr868Ala)

Gene: HERC2 (HECT and RLD domain containing E3 ubiquitin protein ligase 2; minus strand). Cytogenetic location: 15q13.1.
Variant type: single nucleotide variant.
Coding change: c.2602A>G on transcript NM_004667.6 (MANE Select); coding-DNA position 2602, A replaced by G.
Protein change: p.Thr868Ala; replaces threonine 868 with alanine.
Molecular consequence: missense variant.
Genome position (GRCh38, 1-based): chr15:28,256,233, T>C on the plus strand (A>G on the coding strand, the complement: HERC2 is on the minus strand). VCF-style: chr15-28256233-T-C. GRCh37 (hg19) VCF-style: chr15-28501379-T-C.
Other names: short protein forms T868A.
Identifiers: ClinVar variation 1029879 (VCV001029879.1), dbSNP rs759776491, ClinGen allele CA7443157.